The following is an entry in ClinVar:

ClinVar aggregate classification (germline): Pathogenic (1 of 4 stars; one submission).

Conditions:
GM3 synthase deficiency (SPDRS). Also called: SALT AND PEPPER MENTAL RETARDATION SYNDROME; AMISH INFANTILE EPILEPSY SYNDROME; SALT AND PEPPER DEVELOPMENTAL REGRESSION SYNDROME. Identifiers: Orphanet 171714, Orphanet 370933, MedGen C1836824, MONDO:0018274, OMIM 609056.

Submission:

Labcorp Genetics (formerly Invitae), Labcorp
Classification: Pathogenic for GM3 synthase deficiency. Last evaluated: 2022-04-21. Review status: criteria provided, single submitter. Criteria: Invitae Variant Classification Sherloc (09022015). Collection method: clinical testing. Allele origin: germline.
Comment: This sequence change creates a premature translational stop signal (p.Met97Cysfs*9) in the ST3GAL5 gene. It is expected to result in an absent or disrupted protein product. Loss-of-function variants in ST3GAL5 are known to be pathogenic (PMID: 15502825, 22990144, 27232954). This variant is not present in population databases (gnomAD no frequency). This variant has not been reported in the literature in individuals affected with ST3GAL5-related conditions. For these reasons, this variant has been classified as Pathogenic.

Literature cited by the submitters: PubMed 15502825; PubMed 22990144; PubMed 27232954.

NM_003896.4(ST3GAL5):c.289del (p.Met97fs)

Gene: ST3GAL5 (ST3 beta-galactoside alpha-2,3-sialyltransferase 5; minus strand). Cytogenetic location: 2p11.2.
Variant type: Deletion.
Coding change: c.289del on transcript NM_003896.4 (MANE Select); coding-DNA position 289, one base deleted (A; older notation c.289delA).
Protein change: p.Met97fs; shifts the reading frame from methionine 97.
Molecular consequence: frameshift variant. On other transcripts: 5 prime UTR variant (5).
Genome position (GRCh38, 1-based): chr2:85,861,210, T deleted on the plus strand (A on the coding strand, the reverse complement: ST3GAL5 is on the minus strand); the first of 7 consecutive T bases (chr2:85,861,210-85,861,216); deleting any one gives the same sequence. VCF-style (leftmost placement, unchanged base first): chr2-85861209-AT-A. GRCh37 (hg19) VCF-style: chr2-86088332-AT-A.
Other names: c.220del, p.Met74fs (NM_001042437.2); c.-273del (NM_001354223.2, NM_001354226.2); c.-336del (NM_001354224.2); c.205del, p.Met69fs (NM_001354227.2, NM_001354229.2, NM_001354238.1); c.-713del (NM_001354233.2); c.-677del (NM_001354234.1); c.289del, p.Met97fs (NM_001363847.1); short protein forms M69fs, M74fs, M97fs.
Identifiers: ClinVar variation 2127063 (VCV002127063.1), dbSNP rs779767507, ClinGen allele CA2580068243.